The following is an entry in ClinVar:

NM_001378454.1(ALMS1):c.5912C>T (p.Ser1971Phe)

Gene: ALMS1 (ALMS1 centrosome and basal body associated protein; plus strand). Cytogenetic location: 2p13.1.
Variant type: single nucleotide variant.
Coding change: c.5912C>T on transcript NM_001378454.1 (MANE Select); coding-DNA position 5912, C replaced by T.
Protein change: p.Ser1971Phe; replaces serine 1971 with phenylalanine.
Molecular consequence: missense variant.
Genome position (GRCh38, 1-based): chr2:73,452,439, C>T. VCF-style: chr2-73452439-C-T. GRCh37 (hg19) VCF-style: chr2-73679566-C-T.
Other names: c.5915C>T, p.Ser1972Phe (NM_015120.4); short protein forms S1972F, S1971F.
Identifiers: ClinVar variation 4992985 (VCV004992985.1).
Genomic context (GRCh38, chr2:73,452,439, plus strand): 5'-CTCAACAGGAGTTGCCAGACAGTCATCTCACAGAAGAGGCTCTGAAAGTTTCACCTGTTT[C>T]TATACCAGCAGAGCAGAAGACTGGGATACCAATAGGACTGTCTAGTTCCTACTCACATTC-3'
Protein context (NP_001365383.1, residues 1961-1981): TEEALKVSPV[Ser1971Phe]IPAEQKTGIP

ClinVar aggregate classification (germline): Uncertain significance (1 of 4 stars; one submission).

Conditions:
ALMS1-related disorder. Also called: ALMS1-related condition.

Submission:

PreventionGenetics, part of Exact Sciences
Classification: Uncertain significance for ALMS1-related condition. Last evaluated: 2026-02-27. Review status: criteria provided, single submitter. Criteria: ACMG Guidelines, 2015. Collection method: clinical testing. Allele origin: germline.
Comment: The ALMS1 c.5915C>T variant is predicted to result in the amino acid substitution p.Pro1972Leu. To our knowledge, this variant has not been reported in the literature. This variant is reported in 0.0018% of alleles in individuals of European (Non-Finnish) descent in gnomAD. At this time, the clinical significance of this variant is uncertain due to the absence of conclusive functional and genetic evidence.